The following is an entry in ClinVar:

ClinVar aggregate classification (germline): Uncertain significance. Review status: criteria provided, multiple submitters, no conflicts (2 of 4 stars). 2 submissions from 2 submitters: Uncertain significance (2). Last evaluated 2025-10-06.

Conditions:
Hereditary spastic paraplegia 4. Also called: Spastic Paraplegia 4; Familial spastic paraplegia autosomal dominant 2; Spastic paraplegia 4, autosomal dominant. Identifiers: Orphanet 100985, MedGen C1866855, MONDO:0008438, OMIM 182601.
SPAST-related disorder. Also called: SPAST-related condition.

Allele frequency attached by ClinVar (database versions not stated): gnomAD exomes below 0.00001 and 0.00001; TOPMed below 0.00001; ExAC 0.00001.
gnomAD v4.1: 9 of 1,580,332 alleles (0.00057%); highest among the groups gnomAD compares: Non-Finnish European, 0.00078%; no homozygotes.

Submissions (2):

PreventionGenetics, part of Exact Sciences
Classification: Uncertain significance for SPAST-related condition. Last evaluated: 2025-10-06. Review status: criteria provided, single submitter. Criteria: ACMG Guidelines, 2015. Collection method: clinical testing. Allele origin: germline.
Comment: The SPAST c.511T>C variant is predicted to result in the amino acid substitution p.Cys171Arg. To our knowledge, this variant has not been reported in the literature. This variant is reported in 0.00088% of alleles in individuals of European (Non-Finnish) descent in gnomAD. At this time, the clinical significance of this variant is uncertain due to the absence of conclusive functional and genetic evidence.

Labcorp Genetics (formerly Invitae), Labcorp
Classification: Uncertain significance for Hereditary spastic paraplegia 4. Last evaluated: 2023-11-23. Review status: criteria provided, single submitter. Criteria: Invitae Variant Classification Sherloc (09022015). Collection method: clinical testing. Allele origin: germline.
Comment: This sequence change replaces cysteine, which is neutral and slightly polar, with arginine, which is basic and polar, at codon 171 of the SPAST protein (p.Cys171Arg). This variant is present in population databases (rs746073001, gnomAD 0.0009%). This variant has not been reported in the literature in individuals affected with SPAST-related conditions. ClinVar contains an entry for this variant (Variation ID: 536452). Advanced modeling of protein sequence and biophysical properties (such as structural, functional, and spatial information, amino acid conservation, physicochemical variation, residue mobility, and thermodynamic stability) has been performed at Invitae for this missense variant, however the output from this modeling did not meet the statistical confidence thresholds required to predict the impact of this variant on SPAST protein function. In summary, the available evidence is currently insufficient to determine the role of this variant in disease. Therefore, it has been classified as a Variant of Uncertain Significance.

NM_014946.4(SPAST):c.511T>C (p.Cys171Arg)

Gene: SPAST (spastin; plus strand). Cytogenetic location: 2p22.3.
Variant type: single nucleotide variant.
Coding change: c.511T>C on transcript NM_014946.4 (MANE Select); coding-DNA position 511, T replaced by C.
Protein change: p.Cys171Arg; replaces cysteine 171 with arginine.
Molecular consequence: missense variant.
Genome position (GRCh38, 1-based): chr2:32,089,530, T>C. VCF-style: chr2-32089530-T-C. GRCh37 (hg19) VCF-style: chr2-32314599-T-C.
Other names: c.508T>C, p.Cys170Arg (NM_001363823.2, NM_001363875.2); c.511T>C, p.Cys171Arg (NM_001377959.1, NM_199436.2); short protein forms C171R, C170R.
Identifiers: ClinVar variation 536452 (VCV000536452.11), dbSNP rs746073001, ClinGen allele CA1600616.